The following is an entry in ClinVar:

NM_001040108.2(MLH3):c.3313G>A (p.Asp1105Asn)

Gene: MLH3 (mutL homolog 3; minus strand). Cytogenetic location: 14q24.3.
Variant type: single nucleotide variant.
Coding change: c.3313G>A on transcript NM_001040108.2 (MANE Select); coding-DNA position 3313, G replaced by A.
Protein change: p.Asp1105Asn; replaces aspartic acid 1105 with asparagine.
Molecular consequence: missense variant.
Genome position (GRCh38, 1-based): chr14:75,042,445, C>T on the plus strand (G>A on the coding strand, the complement: MLH3 is on the minus strand). VCF-style: chr14-75042445-C-T. GRCh37 (hg19) VCF-style: chr14-75509148-C-T.
Other names: c.3313G>A (NM_001040108.1); c.3313G>A, p.Asp1105Asn (NM_014381.3); short protein forms D1105N.
Identifiers: ClinVar variation 1002973 (VCV001002973.11), dbSNP rs138589933, ClinGen allele CA7275537.

ClinVar aggregate classification (germline): Uncertain significance. Review status: criteria provided, multiple submitters, no conflicts (2 of 4 stars). 2 submissions from 2 submitters: Uncertain significance (2). Last evaluated 2025-10-09.

Conditions:
Colorectal cancer, hereditary nonpolyposis, type 7. Identifiers: Orphanet 144, MedGen C1858380, MONDO:0013725, OMIM 614385.

Allele frequency attached by ClinVar (database versions not stated): ExAC 0.00002; gnomAD exomes 0.00002 and 0.00003; TOPMed 0.00002; ESP Exome Variant Server 0.00008.
gnomAD v4.1: 50 of 1,614,114 alleles (0.0031%); highest among the groups gnomAD compares: Middle Eastern, 0.016%; no homozygotes.

Submissions (2):

Labcorp Genetics (formerly Invitae), Labcorp
Classification: Uncertain significance for Colorectal cancer, hereditary nonpolyposis, type 7. Last evaluated: 2025-10-09. Review status: criteria provided, single submitter. Criteria: Invitae Variant Classification Sherloc (09022015). Collection method: clinical testing. Allele origin: germline.
Comment: This sequence change replaces aspartic acid, which is acidic and polar, with asparagine, which is neutral and polar, at codon 1105 of the MLH3 protein (p.Asp1105Asn). This variant is present in population databases (rs138589933, gnomAD 0.004%). This variant has not been reported in the literature in individuals affected with MLH3-related conditions. ClinVar contains an entry for this variant (Variation ID: 1002973). An algorithm developed to predict the effect of missense changes on protein structure and function outputs the following: PolyPhen-2: "Benign". The asparagine amino acid residue is found in multiple mammalian species, which suggests that this missense change does not adversely affect protein function. In summary, the available evidence is currently insufficient to determine the role of this variant in disease. Therefore, it has been classified as a Variant of Uncertain Significance.

Ambry Genetics
Classification: Uncertain significance. Last evaluated: 2025-06-02. Review status: criteria provided, single submitter. Criteria: Ambry Variant Classification Scheme 2023. Collection method: clinical testing. Allele origin: germline.
Comment: The p.D1105N variant (also known as c.3313G>A), located in coding exon 2 of the MLH3 gene, results from a G to A substitution at nucleotide position 3313. The aspartic acid at codon 1105 is replaced by asparagine, an amino acid with highly similar properties. This amino acid position is not well conserved in available vertebrate species. In addition, this alteration is predicted to be tolerated by in silico analysis. The evidence for this gene-disease relationship is limited; therefore, the clinical significance of this alteration is unclear.